The following is an entry in ClinVar:

NM_005726.6(TSFM):c.209C>G (p.Thr70Ser)

Gene: TSFM (Ts translation elongation factor, mitochondrial; plus strand). Cytogenetic location: 12q14.1.
Variant type: single nucleotide variant.
Coding change: c.209C>G on transcript NM_005726.6 (MANE Select); coding-DNA position 209, C replaced by G.
Protein change: p.Thr70Ser; replaces threonine 70 with serine.
Molecular consequence: missense variant.
Genome position (GRCh38, 1-based): chr12:57,783,261, C>G. VCF-style: chr12-57783261-C-G. GRCh37 (hg19) VCF-style: chr12-58177044-C-G.
Other names: c.209C>G, p.Thr70Ser (NM_001172697.2, NM_001172695.2, NM_001172696.2); short protein forms T70S.
Identifiers: ClinVar variation 5037166 (VCV005037166.1).

ClinVar aggregate classification (germline): Uncertain significance (1 of 4 stars; one submission).

Submission:

GeneDx
Classification: Uncertain significance. Last evaluated: 2026-04-16. Review status: criteria provided, single submitter. Criteria: GeneDx Variant Classification Process June 2021. Collection method: clinical testing. Allele origin: germline.
Comment: Not observed at significant frequency in large population cohorts (gnomAD); In silico analysis suggests that this missense variant does not alter protein structure/function; Has not been previously published as pathogenic or benign to our knowledge